The following is an entry in ClinVar:

ClinVar aggregate classification (germline): Uncertain significance (1 of 4 stars; one submission).

Allele frequency attached by ClinVar (database versions not stated): gnomAD exomes below 0.00001; TOPMed below 0.00001; gnomAD 0.00001.

Submission:

Labcorp Genetics (formerly Invitae), Labcorp
Classification: Uncertain significance. Last evaluated: 2022-10-06. Review status: criteria provided, single submitter. Criteria: Invitae Variant Classification Sherloc (09022015). Collection method: clinical testing. Allele origin: germline.
Comment: In summary, the available evidence is currently insufficient to determine the role of this variant in disease. Therefore, it has been classified as a Variant of Uncertain Significance. Algorithms developed to predict the effect of missense changes on protein structure and function are either unavailable or do not agree on the potential impact of this missense change (SIFT: "Deleterious"; PolyPhen-2: "Benign"; Align-GVGD: "Class C55"). This variant has not been reported in the literature in individuals affected with NEXMIF-related conditions. This variant is present in population databases (no rsID available, gnomAD 0.004%). This sequence change replaces methionine, which is neutral and non-polar, with threonine, which is neutral and polar, at codon 151 of the NEXMIF protein (p.Met151Thr).

NM_001008537.3(NEXMIF):c.452T>C (p.Met151Thr)

Gene: NEXMIF (neurite extension and migration factor; minus strand). Cytogenetic location: Xq13.3.
Variant type: single nucleotide variant.
Coding change: c.452T>C on transcript NM_001008537.3 (MANE Select); coding-DNA position 452, T replaced by C.
Protein change: p.Met151Thr; replaces methionine 151 with threonine.
Molecular consequence: missense variant.
Genome position (GRCh38, 1-based): chrX:74,744,105, A>G on the plus strand (T>C on the coding strand, the complement: NEXMIF is on the minus strand). VCF-style: chrX-74744105-A-G. GRCh37 (hg19) VCF-style: chrX-73963940-A-G.
Other names: short protein forms M151T.
Identifiers: ClinVar variation 1939633 (VCV001939633.5), dbSNP rs1339417457, ClinGen allele CA413673300.